The following is an entry in ClinVar:

ClinVar aggregate classification (germline): Conflicting classifications of pathogenicity. Review status: criteria provided, conflicting classifications (1 of 4 stars). 3 submissions from 3 submitters: Uncertain significance (1); Likely benign (2). Last evaluated 2026-01-13.

Conditions:
Primary ciliary dyskinesia. Also called: Ciliary dyskinesia. Identifiers: Orphanet 244, MedGen C0008780, MONDO:0016575, HP:0012265.

Allele frequency attached by ClinVar (database versions not stated): ESP Exome Variant Server 0.00016; gnomAD 0.00021 and 0.00023; gnomAD exomes 0.00025 and 0.00029; TOPMed 0.00028; ExAC 0.00032.
gnomAD v4.1: 469 of 1,613,794 alleles (0.029%); highest among the groups gnomAD compares: Non-Finnish European, 0.034%; 1 homozygote.

Submissions (3):

Labcorp Genetics (formerly Invitae), Labcorp
Classification: Likely benign for Primary ciliary dyskinesia. Last evaluated: 2026-01-13. Review status: criteria provided, single submitter. Criteria: Invitae Variant Classification Sherloc (09022015). Collection method: clinical testing. Allele origin: germline.

GeneDx
Classification: Uncertain significance. Last evaluated: 2025-12-12. Review status: criteria provided, single submitter. Criteria: GeneDx Variant Classification Process June 2021. Collection method: clinical testing. Allele origin: germline. Affected: yes.
Comment: In silico analysis supports that this missense variant has a deleterious effect on protein structure/function; Has not been previously published as pathogenic or benign to our knowledge

Blueprint Genetics
Classification: Likely benign. Last evaluated: 2023-12-04. Review status: criteria provided, single submitter. Criteria: ACMG Guidelines, 2015. Collection method: clinical testing. Allele origin: germline.

NM_001277115.2(DNAH11):c.12601C>T (p.Pro4201Ser)

Gene: DNAH11 (dynein axonemal heavy chain 11; plus strand). Cytogenetic location: 7p15.3.
Variant type: single nucleotide variant.
Coding change: c.12601C>T on transcript NM_001277115.2 (MANE Select); coding-DNA position 12601, C replaced by T.
Protein change: p.Pro4201Ser; replaces proline 4201 with serine.
Molecular consequence: missense variant.
Genome position (GRCh38, 1-based): chr7:21,892,518, C>T. VCF-style: chr7-21892518-C-T. GRCh37 (hg19) VCF-style: chr7-21932136-C-T.
Other names: short protein forms P4201S.
Identifiers: ClinVar variation 359690 (VCV000359690.22), dbSNP rs200166341, ClinGen allele CA4183130.